The following is an entry in ClinVar:

NM_000784.4(CYP27A1):c.484A>C (p.Asn162His)

Gene: CYP27A1 (cytochrome P450 family 27 subfamily A member 1; plus strand). Cytogenetic location: 2q35.
Variant type: single nucleotide variant.
Coding change: c.484A>C on transcript NM_000784.4 (MANE Select); coding-DNA position 484, A replaced by C.
Protein change: p.Asn162His; replaces asparagine 162 with histidine.
Molecular consequence: missense variant.
Genome position (GRCh38, 1-based): chr2:218,812,259, A>C. VCF-style: chr2-218812259-A-C. GRCh37 (hg19) VCF-style: chr2-219676982-A-C.
Other names: short protein forms N162H.
Identifiers: ClinVar variation 1467178 (VCV001467178.5), dbSNP rs1235744900, ClinGen allele CA350584862.
Genomic context (GRCh38, chr2:218,812,259, plus strand): 5'-GCTGTTCCTCTGCGTCCCTGCAGGGAAGGACACCACTGGTACCAGCTGCGCCAGGCTCTG[A>C]ACCAGCGGTTGCTGAAGCCAGCGGAAGCAGCGCTCTATACGGATGCTTTCAATGAGGTGA-3'
Protein context (NP_000775.1, residues 152-172): HHWYQLRQAL[Asn162His]QRLLKPAEAA

ClinVar aggregate classification (germline): Uncertain significance. Review status: criteria provided, multiple submitters, no conflicts (2 of 4 stars). 2 submissions from 2 submitters: Uncertain significance (2). Last evaluated 2022-11-01.

Conditions:
Cholestanol storage disease (CTX). Also called: Cerebrotendinous Xanthomatosis; CEREBRAL CHOLESTERINOSIS; CTX: Cerebrotendinous xanthomatosis. Identifiers: Orphanet 909, MedGen C0238052, MONDO:0008948, OMIM 213700.

Allele frequency attached by ClinVar (database versions not stated): TOPMed below 0.00001; gnomAD 0.00001.
gnomAD v4.1: 1 of 1,614,064 alleles (0.000062%); highest among the groups gnomAD compares: Non-Finnish European, 0.000085%; no homozygotes.

Submissions (2):

Labcorp Genetics (formerly Invitae), Labcorp
Classification: Uncertain significance for Cholestanol storage disease. Last evaluated: 2022-11-01. Review status: criteria provided, single submitter. Criteria: Invitae Variant Classification Sherloc (09022015). Collection method: clinical testing. Allele origin: germline.
Comment: This sequence change replaces asparagine, which is neutral and polar, with histidine, which is basic and polar, at codon 162 of the CYP27A1 protein (p.Asn162His). This variant is not present in population databases (gnomAD no frequency). This variant has not been reported in the literature in individuals affected with CYP27A1-related conditions. ClinVar contains an entry for this variant (Variation ID: 1467178). Advanced modeling of protein sequence and biophysical properties (such as structural, functional, and spatial information, amino acid conservation, physicochemical variation, residue mobility, and thermodynamic stability) has been performed at Invitae for this missense variant, however the output from this modeling did not meet the statistical confidence thresholds required to predict the impact of this variant on CYP27A1 protein function. In summary, the available evidence is currently insufficient to determine the role of this variant in disease. Therefore, it has been classified as a Variant of Uncertain Significance.

GeneDx
Classification: Uncertain significance. Last evaluated: 2022-01-05. Review status: criteria provided, single submitter. Criteria: GeneDx Variant Classification Process June 2021. Collection method: clinical testing. Allele origin: germline. Affected: yes.
Comment: Not observed at significant frequency in large population cohorts (gnomAD); In silico analysis supports that this missense variant has a deleterious effect on protein structure/function; Has not been previously published as pathogenic or benign to our knowledge